The following is an entry in ClinVar:

ClinVar aggregate classification (germline): Uncertain significance (1 of 4 stars; one submission).

Conditions:
Developmental and epileptic encephalopathy, 54. Also called: HNRNPU-Related Neurodevelopmental Disorder; Epileptic encephalopathy, early infantile, 54. Identifiers: MedGen C4479319, MONDO:0033363, OMIM 617391.

Allele frequency attached by ClinVar (database versions not stated): gnomAD exomes below 0.00001.

Submission:

Labcorp Genetics (formerly Invitae), Labcorp
Classification: Uncertain significance for Developmental and epileptic encephalopathy, 54. Last evaluated: 2025-02-24. Review status: criteria provided, single submitter. Criteria: Invitae Variant Classification Sherloc (09022015). Collection method: clinical testing. Allele origin: germline.
Comment: This sequence change replaces methionine, which is neutral and non-polar, with valine, which is neutral and non-polar, at codon 121 of the HNRNPU protein (p.Met121Val). This variant is present in population databases (no rsID available, gnomAD 0.0009%). This variant has not been reported in the literature in individuals affected with HNRNPU-related conditions. ClinVar contains an entry for this variant (Variation ID: 954425). Invitae Evidence Modeling of protein sequence and biophysical properties (such as structural, functional, and spatial information, amino acid conservation, physicochemical variation, residue mobility, and thermodynamic stability) indicates that this missense variant is not expected to disrupt HNRNPU protein function with a negative predictive value of 95%. In summary, the available evidence is currently insufficient to determine the role of this variant in disease. Therefore, it has been classified as a Variant of Uncertain Significance.

NM_031844.3(HNRNPU):c.361A>G (p.Met121Val)

Gene: HNRNPU (heterogeneous nuclear ribonucleoprotein U; minus strand). Cytogenetic location: 1q44.
Variant type: single nucleotide variant.
Coding change: c.361A>G on transcript NM_031844.3 (MANE Select); coding-DNA position 361, A replaced by G.
Protein change: p.Met121Val; replaces methionine 121 with valine.
Molecular consequence: missense variant.
Genome position (GRCh38, 1-based): chr1:244,863,947, T>C on the plus strand (A>G on the coding strand, the complement: HNRNPU is on the minus strand). VCF-style: chr1-244863947-T-C. GRCh37 (hg19) VCF-style: chr1-245027249-T-C.
Other names: c.361A>G, p.Met121Val (NM_004501.3); short protein forms M121V.
Identifiers: ClinVar variation 954425 (VCV000954425.10), dbSNP rs1388856266, ClinGen allele CA345497299.